The following is an entry in ClinVar:

NM_006031.6(PCNT):c.9840-4G>A

Gene: PCNT (pericentrin; plus strand). Cytogenetic location: 21q22.3.
Variant type: single nucleotide variant.
Coding change: c.9840-4G>A on transcript NM_006031.6 (MANE Select); 4 bases into the intron before coding-DNA position 9840, G replaced by A.
Molecular consequence: intron variant.
Genome position (GRCh38, 1-based): chr21:46,444,690, G>A. VCF-style: chr21-46444690-G-A. GRCh37 (hg19) VCF-style: chr21-47864603-G-A.
Other names: c.9249-4G>A (NM_001315529.2).
Identifiers: ClinVar variation 288331 (VCV000288331.28), dbSNP rs199857861, ClinGen allele CA10081531.
Genomic context (GRCh38, chr21:46,444,690, plus strand): 5'-GTCTGTCAAACTCAACTCTTTTTTTTTTTTTTTTTCTTCTCTTGGTGTGGTAATTTGTTT[G>A]AAGAGCCACTCCATCCCCAAATTCAAGATTAGAAAGATCCCTGACTGCTTCTCAAGATCC-3'

ClinVar aggregate classification (germline): Conflicting classifications of pathogenicity. Review status: criteria provided, conflicting classifications (1 of 4 stars). 6 submissions from 6 submitters: Uncertain significance (4); Likely benign (2). Last evaluated 2026-01-13.

Conditions:
Microcephalic osteodysplastic primordial dwarfism type II (MOPD2). Also called: Microcephalic osteodysplastic primordial dwarfism with tooth abnormalities; MOPD II; OSTEODYSPLASTIC PRIMORDIAL DWARFISM, TYPE II. Identifiers: Orphanet 2637, MedGen C0432246, MONDO:0008872, OMIM 210720.

Allele frequency attached by ClinVar (database versions not stated): gnomAD 0.00020 and 0.00016; gnomAD exomes 0.00020 and 0.00035; ExAC 0.00032; 1000 Genomes Project 0.00100; 1000 Genomes Project 30x 0.00109; TOPMed 0.00015.
gnomAD v4.1: 336 of 1,557,836 alleles (0.022%); highest among the groups gnomAD compares: Middle Eastern, 0.14%; no homozygotes.

Submissions (6):

Labcorp Genetics (formerly Invitae), Labcorp
Classification: Likely benign. Last evaluated: 2026-01-13. Review status: criteria provided, single submitter. Criteria: Invitae Variant Classification Sherloc (09022015). Collection method: clinical testing. Allele origin: germline.

CeGaT Center for Human Genetics Tuebingen
Classification: Likely benign. Last evaluated: 2025-02-01. Review status: criteria provided, single submitter. Criteria: CeGaT Center For Human Genetics Tuebingen Variant Classification Criteria Version 2. Collection method: clinical testing. Allele origin: germline. Affected: yes. Observed: 1 variant allele.
Comment: PCNT: BP4

Broad Center for Mendelian Genomics, Broad Institute of MIT and Harvard
Classification: Uncertain significance for Microcephalic osteodysplastic primordial dwarfism type II. Last evaluated: 2023-05-02. Review status: criteria provided, single submitter. Criteria: ACMG Guidelines, 2015. Collection method: curation. Allele origin: germline. Inheritance: Autosomal recessive inheritance.
Comment: The c.9840-4G>A variant in PCNT has not been previously reported in individuals with microcephalic osteodysplastic primordial dwarfism type II, but has been identified in 0.5% (18/3424) of Ashkenazi Jewish chromosomes by the Genome Aggregation Database (gnomAD; dbSNP ID: rs199857861). Although this variant has been seen in the general population in a heterozygous state, its frequency is not high enough to rule out a pathogenic role. This variant has also been reported in ClinVar (Variation ID: 288331) and has been interpreted as a variant of uncertain significance by Eurofins NTD LLC and Illumina. This variant is located in the 3' splice region. Computational tools do not suggest an impact to splicing, though this information is not predictive enough to rule out pathogenicity. In summary, the clinical significance of the c.9840-4G>A variant is uncertain. ACMG/AMP Criteria applied: PM3_Supporting, BP4 (Richards 2015).

Illumina Laboratory Services, Illumina
Classification: Uncertain significance for Microcephalic osteodysplastic primordial dwarfism type II. Last evaluated: 2018-01-13. Review status: criteria provided, single submitter. Criteria: ICSL Variant Classification Criteria 13 December 2019. Collection method: clinical testing. Allele origin: germline.

Eurofins Ntd Llc (ga)
Classification: Uncertain significance. Last evaluated: 2016-06-30. Review status: criteria provided, single submitter. Criteria: EGL Classification Definitions 2015. Collection method: clinical testing. Allele origin: germline. Observed: 1 variant allele, 1 heterozygote.

Breakthrough Genomics
Classification: Uncertain significance. Review status: criteria provided, single submitter. Criteria: ACMG Guidelines, 2015. Collection method: not provided. Allele origin: germline. Inheritance: Autosomal dominant inheritance. Affected: yes.